The following is an entry in ClinVar:

NM_139057.4(ADAMTS17):c.2486G>A (p.Arg829Gln)

Gene: ADAMTS17 (ADAM metallopeptidase with thrombospondin type 1 motif 17; minus strand). Cytogenetic location: 15q26.3.
Variant type: single nucleotide variant.
Coding change: c.2486G>A on transcript NM_139057.4 (MANE Select); coding-DNA position 2486, G replaced by A.
Protein change: p.Arg829Gln; replaces arginine 829 with glutamine.
Molecular consequence: missense variant.
Genome position (GRCh38, 1-based): chr15:100,048,962, C>T on the plus strand (G>A on the coding strand, the complement: ADAMTS17 is on the minus strand). VCF-style: chr15-100048962-C-T. GRCh37 (hg19) VCF-style: chr15-100589167-C-T.
Other names: c.2486G>A (NM_139057.2); short protein forms R829Q.
Identifiers: ClinVar variation 1443767 (VCV001443767.7), dbSNP rs772506694, ClinGen allele CA7757699.

ClinVar aggregate classification (germline): Uncertain significance. Review status: criteria provided, multiple submitters, no conflicts (2 of 4 stars). 2 submissions from 2 submitters: Uncertain significance (2). Last evaluated 2024-10-04.

Conditions:
Inborn genetic diseases. Identifiers: MedGen C0950123, MeSH D030342.

Allele frequency attached by ClinVar (database versions not stated): gnomAD 0.00001; gnomAD exomes 0.00001 and 0.00002; TOPMed 0.00001; ExAC 0.00002.
gnomAD v4.1: 38 of 1,614,028 alleles (0.0024%); highest among the groups gnomAD compares: African/African-American, 0.004%; no homozygotes.

Submissions (2):

Ambry Genetics
Classification: Uncertain significance for Inborn genetic diseases. Last evaluated: 2024-10-04. Review status: criteria provided, single submitter. Criteria: Ambry Variant Classification Scheme 2023. Collection method: clinical testing. Allele origin: germline.

Labcorp Genetics (formerly Invitae), Labcorp
Classification: Uncertain significance. Last evaluated: 2022-07-25. Review status: criteria provided, single submitter. Criteria: Invitae Variant Classification Sherloc (09022015). Collection method: clinical testing. Allele origin: germline.
Comment: In summary, the available evidence is currently insufficient to determine the role of this variant in disease. Therefore, it has been classified as a Variant of Uncertain Significance. Algorithms developed to predict the effect of sequence changes on RNA splicing suggest that this variant may create or strengthen a splice site. Algorithms developed to predict the effect of missense changes on protein structure and function output the following: SIFT: "Not Available"; PolyPhen-2: "Benign"; Align-GVGD: "Not Available". The glutamine amino acid residue is found in multiple mammalian species, which suggests that this missense change does not adversely affect protein function. ClinVar contains an entry for this variant (Variation ID: 1443767). This variant has not been reported in the literature in individuals affected with ADAMTS17-related conditions. This variant is present in population databases (rs772506694, gnomAD 0.007%). This sequence change replaces arginine, which is basic and polar, with glutamine, which is neutral and polar, at codon 829 of the ADAMTS17 protein (p.Arg829Gln).